The following is an entry in ClinVar:

NM_000213.5(ITGB4):c.3316+5G>A

Gene: ITGB4 (integrin subunit beta 4; plus strand). Cytogenetic location: 17q25.1.
Variant type: single nucleotide variant.
Coding change: c.3316+5G>A on transcript NM_000213.5 (MANE Select); 5 bases into the intron after coding-DNA position 3316, G replaced by A.
Molecular consequence: intron variant.
Genome position (GRCh38, 1-based): chr17:75,749,050, G>A. VCF-style: chr17-75749050-G-A. GRCh37 (hg19) VCF-style: chr17-73745131-G-A.
Other names: c.3316+5G>A (NM_001005619.2, NM_001005731.3, NM_001438834.1 and 1 more transcripts).
Identifiers: ClinVar variation 3696023 (VCV003696023.2).

ClinVar aggregate classification (germline): Uncertain significance (1 of 4 stars; one submission).

gnomAD v4.1: 26 of 1,607,788 alleles (0.0016%); highest among the groups gnomAD compares: Non-Finnish European, 0.0021%; no homozygotes.

Submission:

Labcorp Genetics (formerly Invitae), Labcorp
Classification: Uncertain significance. Last evaluated: 2024-03-16. Review status: criteria provided, single submitter. Criteria: Invitae Variant Classification Sherloc (09022015). Collection method: clinical testing. Allele origin: germline.
Comment: This sequence change falls in intron 27 of the ITGB4 gene. It does not directly change the encoded amino acid sequence of the ITGB4 protein. It affects a nucleotide within the consensus splice site. The frequency data for this variant in the population databases is considered unreliable, as metrics indicate poor data quality at this position in the gnomAD database. This variant has not been reported in the literature in individuals affected with ITGB4-related conditions. Variants that disrupt the consensus splice site are a relatively common cause of aberrant splicing (PMID: 17576681, 9536098). Algorithms developed to predict the effect of sequence changes on RNA splicing suggest that this variant is not likely to affect RNA splicing. In summary, the available evidence is currently insufficient to determine the role of this variant in disease. Therefore, it has been classified as a Variant of Uncertain Significance.

Literature cited by the submitters: PubMed 17576681; PubMed 9536098.